The following is an entry in ClinVar:

NM_007347.5(AP4E1):c.703-11G>A

Gene: AP4E1 (adaptor related protein complex 4 subunit epsilon 1; plus strand). Cytogenetic location: 15q21.2.
Variant type: single nucleotide variant.
Coding change: c.703-11G>A on transcript NM_007347.5 (MANE Select); 11 bases into the intron before coding-DNA position 703, G replaced by A.
Molecular consequence: intron variant.
Genome position (GRCh38, 1-based): chr15:50,930,794, G>A. VCF-style: chr15-50930794-G-A. GRCh37 (hg19) VCF-style: chr15-51222991-G-A.
Other names: c.478-11G>A (NM_001252127.2).
Identifiers: ClinVar variation 2010228 (VCV002010228.4), dbSNP rs759010603, ClinGen allele CA2580089729.
Genomic context (GRCh38, chr15:50,930,794, plus strand): 5'-GACATTTCAATTAGGTCTATTTCTATTTAATAAGACGTTATTAACAAAGTTTTTTTTGCG[G>A]GGGGATGTAGGAGAATTCATCTGGATATAAAGACTTGACTGGGAGTTTTGTAACCATTTT-3'

ClinVar aggregate classification (germline): Uncertain significance (1 of 4 stars; one submission).

Conditions:
Spastic paraplegia. Identifiers: MedGen C0037772, HP:0001258.

gnomAD v4.1: 1 of 1,612,376 alleles (0.000062%); highest among the groups gnomAD compares: Non-Finnish European, 0.000085%; no homozygotes.

Submission:

Labcorp Genetics (formerly Invitae), Labcorp
Classification: Uncertain significance for Spastic paraplegia. Last evaluated: 2022-06-28. Review status: criteria provided, single submitter. Criteria: Invitae Variant Classification Sherloc (09022015). Collection method: clinical testing. Allele origin: germline.
Comment: Algorithms developed to predict the effect of sequence changes on RNA splicing suggest that this variant may create or strengthen a splice site. This variant has not been reported in the literature in individuals affected with AP4E1-related conditions. This variant is not present in population databases (gnomAD no frequency). This sequence change falls in intron 6 of the AP4E1 gene. It does not directly change the encoded amino acid sequence of the AP4E1 protein. In summary, the available evidence is currently insufficient to determine the role of this variant in disease. Therefore, it has been classified as a Variant of Uncertain Significance.